The following is an entry in ClinVar:

NM_001384732.1(CPLANE1):c.9400+5G>A

Gene: CPLANE1 (ciliogenesis and planar polarity effector complex subunit 1; minus strand). Cytogenetic location: 5p13.2.
Variant type: single nucleotide variant.
Coding change: c.9400+5G>A on transcript NM_001384732.1 (MANE Select); 5 bases into the intron after coding-DNA position 9400, G replaced by A.
Molecular consequence: intron variant.
Genome position (GRCh38, 1-based): chr5:37,114,955, C>T on the plus strand (G>A on the coding strand, the complement: CPLANE1 is on the minus strand). VCF-style: chr5-37114955-C-T. GRCh37 (hg19) VCF-style: chr5-37115057-C-T.
Other names: c.9238+5G>A (NM_023073.4).
Identifiers: ClinVar variation 2003245 (VCV002003245.4), dbSNP rs2546498159, ClinGen allele CA2580073216.

ClinVar aggregate classification (germline): Uncertain significance (1 of 4 stars; one submission).

Submission:

Labcorp Genetics (formerly Invitae), Labcorp
Classification: Uncertain significance. Last evaluated: 2024-11-11. Review status: criteria provided, single submitter. Criteria: Invitae Variant Classification Sherloc (09022015). Collection method: clinical testing. Allele origin: germline.
Comment: This sequence change falls in intron 50 of the CPLANE1 gene. It does not directly change the encoded amino acid sequence of the CPLANE1 protein. It affects a nucleotide within the consensus splice site. This variant is not present in population databases (gnomAD no frequency). This variant has not been reported in the literature in individuals affected with CPLANE1-related conditions. ClinVar contains an entry for this variant (Variation ID: 2003245). Variants that disrupt the consensus splice site are a relatively common cause of aberrant splicing (PMID: 17576681, 9536098). Algorithms developed to predict the effect of sequence changes on RNA splicing suggest that this variant is not likely to affect RNA splicing. In summary, the available evidence is currently insufficient to determine the role of this variant in disease. Therefore, it has been classified as a Variant of Uncertain Significance.

Literature cited by the submitters: PubMed 17576681; PubMed 9536098.